The following is an entry in ClinVar:

NM_005876.5(SPEG):c.7363A>G (p.Arg2455Gly)

Genes: ASIC4-AS1 (ASIC4 antisense RNA 1; minus strand), SPEG (striated muscle enriched protein kinase; plus strand). Cytogenetic location: 2q35.
Variant type: single nucleotide variant.
Coding change: c.7363A>G on transcript NM_005876.5 (MANE Select); coding-DNA position 7363, A replaced by G.
Protein change: p.Arg2455Gly; replaces arginine 2455 with glycine.
Molecular consequence: missense variant.
Genome position (GRCh38, 1-based): chr2:219,484,826, A>G. VCF-style: chr2-219484826-A-G. GRCh37 (hg19) VCF-style: chr2-220349548-A-G.
Other names: short protein forms R2455G.
Identifiers: ClinVar variation 2038920 (VCV002038920.4), dbSNP rs2545947476, ClinGen allele CA350702106.
Genomic context (GRCh38, chr2:219,484,826, plus strand): 5'-GACGGAGAGAGCTCGGAGGGCGGGAGCTCGGCGCGGGGCTCCCCGGTGCTGGCGATGCGC[A>G]GGCGGCTGAGCTTCACCCTGGAGCGGCTGTCCAGCCGATTGCAGCGCAGTGGCAGCAGCG-3'
Protein context (NP_005867.3, residues 2445-2465): ARGSPVLAMR[Arg2455Gly]RLSFTLERLS

ClinVar aggregate classification (germline): Uncertain significance (1 of 4 stars; one submission).

Submission:

Labcorp Genetics (formerly Invitae), Labcorp
Classification: Uncertain significance. Last evaluated: 2022-01-11. Review status: criteria provided, single submitter. Criteria: Invitae Variant Classification Sherloc (09022015). Collection method: clinical testing. Allele origin: germline.
Comment: This variant has not been reported in the literature in individuals affected with SPEG-related conditions. This variant is not present in population databases (gnomAD no frequency). This sequence change replaces arginine, which is basic and polar, with glycine, which is neutral and non-polar, at codon 2455 of the SPEG protein (p.Arg2455Gly). Algorithms developed to predict the effect of missense changes on protein structure and function are either unavailable or do not agree on the potential impact of this missense change (SIFT: "Deleterious"; PolyPhen-2: "Probably Damaging"; Align-GVGD: "Class C0"). In summary, the available evidence is currently insufficient to determine the role of this variant in disease. Therefore, it has been classified as a Variant of Uncertain Significance.